The following is an entry in ClinVar:

ClinVar aggregate classification (germline): Uncertain significance (1 of 4 stars; one submission).

Conditions:
Neuroblastoma, susceptibility to, 3. Also called: ALK-Related Neuroblastic Tumor Susceptibility. Identifiers: Orphanet 635, MedGen C2751681, MONDO:0013083, OMIM 613014.

Submission:

Labcorp Genetics (formerly Invitae), Labcorp
Classification: Uncertain significance for Neuroblastoma, susceptibility to, 3. Last evaluated: 2019-06-04. Review status: criteria provided, single submitter. Criteria: Invitae Variant Classification Sherloc (09022015). Collection method: clinical testing. Allele origin: germline.
Comment: Algorithms developed to predict the effect of missense changes on protein structure and function (SIFT, PolyPhen-2, Align-GVGD) all suggest that this variant is likely to be disruptive, but these predictions have not been confirmed by published functional studies and their clinical significance is uncertain. In summary, the available evidence is currently insufficient to determine the role of this variant in disease. Therefore, it has been classified as a Variant of Uncertain Significance. This variant has not been reported in the literature in individuals with ALK-related conditions. This variant is not present in population databases (ExAC no frequency). This sequence change replaces glycine with arginine at codon 881 of the ALK protein (p.Gly881Arg). The glycine residue is highly conserved and there is a moderate physicochemical difference between glycine and arginine.

NM_004304.5(ALK):c.2641G>C (p.Gly881Arg)

Gene: ALK (ALK receptor tyrosine kinase; minus strand). Cytogenetic location: 2p23.2.
Variant type: single nucleotide variant.
Coding change: c.2641G>C on transcript NM_004304.5 (MANE Select); coding-DNA position 2641, G replaced by C.
Protein change: p.Gly881Arg; replaces glycine 881 with arginine.
Molecular consequence: missense variant.
Genome position (GRCh38, 1-based): chr2:29,229,058, C>G on the plus strand (G>C on the coding strand, the complement: ALK is on the minus strand). VCF-style: chr2-29229058-C-G. GRCh37 (hg19) VCF-style: chr2-29451924-C-G.
Other names: short protein forms G881R.
Identifiers: ClinVar variation 934580 (VCV000934580.9), dbSNP rs1256624924, ClinGen allele CA346470104.